The following is an entry in ClinVar:

NM_001039348.3(EFEMP1):c.*962C>A

Gene: EFEMP1 (EGF-like fibulin extracellular matrix protein 1; minus strand). Cytogenetic location: 2p16.1.
Variant type: single nucleotide variant.
Coding change: c.*962C>A on transcript NM_001039348.3 (MANE Select); 962 bases downstream of the stop codon, C replaced by A.
Molecular consequence: 3 prime UTR variant.
Genome position (GRCh38, 1-based): chr2:55,866,111, G>T on the plus strand (C>A on the coding strand, the complement: EFEMP1 is on the minus strand). VCF-style: chr2-55866111-G-T. GRCh37 (hg19) VCF-style: chr2-56093246-G-T.
Other names: c.*962C>A (NM_001039349.3).
Identifiers: ClinVar variation 336609 (VCV000336609.5), dbSNP rs77386452, ClinGen allele CA10615590.
Genomic context (GRCh38, chr2:55,866,111, plus strand): 5'-AAAATATTCCATAGAATTGGGTAGGAGGGTAATTTGCTTAAGTTCACTGTCACTCTGGAT[G>T]CCAGGAATAAAAACCATCATCATTTTCTTCCTCTGTGAGCATCAAGTACGAAGATGAGAA-3'

ClinVar aggregate classification (germline): Benign (1 of 4 stars; one submission).

Conditions:
Doyne honeycomb retinal dystrophy (DHRD). Also called: DOYNE HONEYCOMB DEGENERATION OF RETINA; MALATTIA LEVENTINESE; DRUSEN, RADIAL, AUTOSOMAL DOMINANT. Identifiers: Orphanet 75376, MedGen C1832174, MONDO:0007471, OMIM 126600.

Allele frequency attached by ClinVar (database versions not stated): gnomAD 0.01057 and 0.01156; TOPMed 0.01210; 1000 Genomes Project 30x 0.02498; 1000 Genomes Project 0.02616.

Submission:

Illumina Laboratory Services, Illumina
Classification: Benign for Doyne honeycomb retinal dystrophy. Last evaluated: 2018-01-13. Review status: criteria provided, single submitter. Criteria: ICSL Variant Classification Criteria 13 December 2019. Collection method: clinical testing. Allele origin: germline.
Comment: This variant was observed in the ICSL laboratory as part of a predisposition screen in an ostensibly healthy population. It had not been previously curated by ICSL or reported in the Human Gene Mutation Database (HGMD: prior to June 1st, 2018), and was therefore a candidate for classification through an automated scoring system. Utilizing variant allele frequency, disease prevalence and penetrance estimates, and inheritance mode, an automated score was calculated to assess if this variant is too frequent to cause the disease. Based on the score and internal cut-off values, a variant classified as benign is not then subjected to further curation. The score for this variant resulted in a classification of benign for this disease.